The following is an entry in ClinVar:

ClinVar aggregate classification (germline): Pathogenic. Review status: criteria provided, multiple submitters, no conflicts (2 of 4 stars). 13 submissions from 13 submitters: Pathogenic (11). 2 of the submissions do not count toward it. Last evaluated 2026-09-10.

Conditions:
Cardiovascular phenotype. Identifiers: MedGen CN230736.
Hereditary cancer-predisposing syndrome. Also called: Hereditary neoplastic syndrome; Neoplastic Syndromes, Hereditary; Hereditary Cancer Syndrome; Tumor predisposition. Identifiers: Orphanet 140162, MedGen C0027672, MeSH D009386, MONDO:0015356.
Neurofibromatosis, type 1 (NF1). Also called: VON RECKLINGHAUSEN DISEASE; Peripheral type neurofibromatosis; Neurofibromatosis, type I; NEUROFIBROMATOSIS, TYPE I, SOMATIC. Identifiers: Orphanet 636, MedGen C0027831, MONDO:0018975, OMIM 162200. Disease mechanism: loss of function.

Submissions (13):

Myriad Genetics, Inc.
Classification: Pathogenic for Neurofibromatosis, type 1. Last evaluated: 2026-09-10. Review status: criteria provided, single submitter. Criteria: Myriad Autosomal Dominant, Autosomal Recessive and X-Linked Classification Criteria (2023). Collection method: clinical testing. Allele origin: unknown.
Comment: This variant is considered pathogenic. mRNA analysis has demonstrated abnormal mRNA splicing occurs [PMID: 25480383, 34449562]. This variant has been reported in multiple individuals with clinical features of gene-specific disease [PMID: 26056819, 30308447, 34841831, 25480383, 27838393].

NHS Central & South Genomic Laboratory Hub
Classification: Pathogenic for Neurofibromatosis type 1. Last evaluated: 2025-04-09. Review status: criteria provided, single submitter. Criteria: ACMG Guidelines, 2015. Collection method: clinical testing. Allele origin: germline. Affected: yes.

GeneDx
Classification: Pathogenic. Last evaluated: 2025-01-17. Review status: criteria provided, single submitter. Criteria: GeneDx Variant Classification Process June 2021. Collection method: clinical testing. Allele origin: germline. Affected: yes.
Comment: Exonic splice variant demonstrated to result in protein truncation or nonsense mediated decay in a gene for which loss-of-function is a known mechanism of disease (PMID: 23913538, 25480383, 26056819); Not observed at significant frequency in large population cohorts (gnomAD); This variant is associated with the following publications: (PMID: 25480383, 23913538, 26056819, 9668168, 9003501, 27838393, 15060124, 30245780, 34449562, 37751797, 22807134)

Institute of Medical Genetics and Applied Genomics, University Hospital Tübingen
Classification: Pathogenic for Neurofibromatosis, type 1. Last evaluated: 2024-03-26. Review status: criteria provided, single submitter. Criteria: ACMG Guidelines, 2015. Collection method: clinical testing. Allele origin: germline. Inheritance: Autosomal dominant inheritance. Affected: yes.

Labcorp Genetics (formerly Invitae), Labcorp
Classification: Pathogenic for Neurofibromatosis, type 1. Last evaluated: 2023-10-13. Review status: criteria provided, single submitter. Criteria: Invitae Variant Classification Sherloc (09022015). Collection method: clinical testing. Allele origin: germline.
Comment: This sequence change replaces serine, which is neutral and polar, with glycine, which is neutral and non-polar, at codon 1468 of the NF1 protein (p.Ser1468Gly). This variant is not present in population databases (gnomAD no frequency). This missense change has been observed in individuals with neurofibromatosis type 1 (NF1) (PMID: 9003501, 15060124, 23913538, 25480383, 26056819, 27838393; Invitae). ClinVar contains an entry for this variant (Variation ID: 68351). Advanced modeling of protein sequence and biophysical properties (such as structural, functional, and spatial information, amino acid conservation, physicochemical variation, residue mobility, and thermodynamic stability) performed at Invitae indicates that this missense variant is not expected to disrupt NF1 protein function. Algorithms developed to predict the effect of sequence changes on RNA splicing suggest that this variant may disrupt the consensus splice site. For these reasons, this variant has been classified as Pathogenic.

Ambry Genetics
Classification: Pathogenic for Cardiovascular phenotype; Hereditary cancer-predisposing syndrome. Last evaluated: 2023-03-09. Review status: criteria provided, single submitter. Criteria: Ambry Variant Classification Scheme 2023. Collection method: clinical testing. Allele origin: germline.
Comment: The c.4402A>G variant (also known as p.S1468G), located in coding exon 33 of the NF1 gene, results from an A to G substitution at nucleotide position 4402. The serine at codon 1468 is replaced by glycine, an amino acid with similar properties. This alteration has been reported in multiple individuals and families with clinical diagnoses of neurofibromatosis type 1 (NF1) and/or NF1-like phenotypes (Okumura A et al. Brain Dev., 2015 Aug;37:677-89; Sabbagh A et al. Hum. Mutat., 2013 Nov;34:1510-8; Zhang J et al. Sci Rep, 2015 Jun;5:11291). Functional analysis of RNA showed this alteration creates an aberrant splice acceptor site, and introduces a stop codon at amino acid position 1457 that results in a truncated NF1 protein (p.F1457*) (Okumura A et al. Brain Dev., 2015 Aug;37:677-89). In silico splice site analysis predicts that this alteration will weaken the native splice acceptor site and will result in the creation or strengthening of a novel splice acceptor site. RNA studies have demonstrated that this alteration results in abnormal splicing in the set of samples tested (Ambry internal data). Based on the available evidence, this alteration is classified as a pathogenic mutation.

Medical Genetics, University of Parma
Classification: Pathogenic for Neurofibromatosis, type 1. Last evaluated: 2022-08-17. Review status: criteria provided, single submitter. Criteria: ACMG Guidelines, 2015. Collection method: clinical testing. Allele origin: germline. Inheritance: Autosomal dominant inheritance. Affected: yes.

3billion
Classification: Pathogenic for Neurofibromatosis, type 1. Last evaluated: 2022-05-22. Review status: criteria provided, single submitter. Criteria: ACMG Guidelines, 2015. Collection method: clinical testing. Allele origin: germline. Affected: yes. Observed: 1 heterozygote.
Comment: The variant is not observed in the gnomAD v2.1.1 dataset. In silico tool predictions suggest damaging effect of the variant on gene or gene product (REVEL: 0.55; 3Cnet: 0.92). The variant has been observed in multiple (>3) similarly affected unrelated individuals (PMID: 23913538, 25480383, 26056819, 27838393, 9003501). Therefore, this variant is classified as pathogenic according to the recommendation of ACMG/AMP guideline.

Genome-Nilou Lab
Classification: Pathogenic for Neurofibromatosis, type 1. Last evaluated: 2022-03-15. Review status: criteria provided, single submitter. Criteria: ACMG Guidelines, 2015. Collection method: clinical testing. Allele origin: germline. Affected: no.

Division of Genomic Medicine, Department of Advanced Medicine, Medical Research Institute, Kanazawa Medical University
Classification: Pathogenic for Neurofibromatosis, type 1. Last evaluated: 2021-02-03. Review status: criteria provided, single submitter. Criteria: ACMG Guidelines, 2015. Collection method: clinical testing. Allele origin: germline. Affected: yes. Observed: 2 variant alleles.

Genome Diagnostics Laboratory, The Hospital for Sick Children
Classification: Pathogenic for Neurofibromatosis, type 1. Last evaluated: 2020-10-26. Review status: criteria provided, single submitter. Criteria: ACMG Guidelines, 2015. Collection method: clinical testing. Allele origin: germline. Affected: yes.

Clinical Molecular Genetics Laboratory, Johns Hopkins All Children's Hospital
Classification: Pathogenic for Neurofibromatosis, type 1. Last evaluated: 2018-11-16. Review status: no assertion criteria provided. Collection method: clinical testing. Allele origin: germline. Inheritance: Autosomal dominant inheritance. Affected: yes. Observed: 1 heterozygote. Not counted in ClinVar's aggregate classification.

UniProtKB/Swiss-Prot
No classification provided. Review status: no classification provided. Collection method: not provided. Allele origin: not provided. Not counted in ClinVar's aggregate classification.

Literature cited by the submitters: PubMed 25480383 (cited by 3 submitters); PubMed 34449562 (cited by Myriad Genetics, Inc.); PubMed 26056819 (cited by 3 submitters); PubMed 30308447 (cited by Myriad Genetics, Inc.); PubMed 34841831 (cited by Myriad Genetics, Inc.); PubMed 27838393 (cited by 3 submitters); PubMed 9003501 (cited by Labcorp Genetics (formerly Invitae), Labcorp and 3billion); PubMed 15060124 (cited by Labcorp Genetics (formerly Invitae), Labcorp); PubMed 23913538 (cited by Labcorp Genetics (formerly Invitae), Labcorp and 3billion).

NM_001042492.3(NF1):c.4465A>G (p.Ser1489Gly)

Gene: NF1 (neurofibromin 1; plus strand). Cytogenetic location: 17q11.2.
Variant type: single nucleotide variant.
Coding change: c.4465A>G on transcript NM_001042492.3 (MANE Select); coding-DNA position 4465, A replaced by G.
Protein change: p.Ser1489Gly; replaces serine 1489 with glycine.
Molecular consequence: missense variant.
Genome position (GRCh38, 1-based): chr17:31,260,403, A>G. VCF-style: chr17-31260403-A-G. GRCh37 (hg19) VCF-style: chr17-29587421-A-G.
Other names: c.4402A>G, p.Ser1468Gly (NM_000267.4); short protein forms S1468G, S1489G.
Identifiers: ClinVar variation 68351 (VCV000068351.26), dbSNP rs199474743, ClinGen allele CA219587.
Genomic context (GRCh38, chr17:31,260,403, plus strand): 5'-ATTCTAATGACTTTGCATTTTTGAAGGTTTTTCCTTGATATAGCATCTGATTGTCCTACA[A>G]GTGATGCAGTAAATCATAGTCTTTCCTTCATAAGTGACGGCAATGTGCTTGCTTTACATC-3'
Protein context (NP_001035957.1, residues 1479-1499): FLDIASDCPT[Ser1489Gly]DAVNHSLSFI